The following is an entry in ClinVar:

ClinVar aggregate classification (germline): Likely pathogenic. Review status: no assertion criteria provided (0 of 4 stars). 2 submissions from 2 submitters: Likely pathogenic (2). Last evaluated 2022-09-27.

Conditions:
Dihydropteridine reductase deficiency (HPABH4C). Also called: BH4-Deficient Hyperphenylalaninemia C; HYPERPHENYLALANINEMIA, TETRAHYDROBIOPTERIN-DEFICIENT, DUE TO DHPR DEFICIENCY; QDPR DEFICIENCY; QUINOID DIHYDROPTERIDINE REDUCTASE DEFICIENCY; Phenylketonuria II; Hyperphenylalaninemia due to dihydropteridine reductase deficiency. Identifiers: Orphanet 226, Orphanet 238583, MedGen C0268465, MONDO:0009862, OMIM 261630.

Allele frequency attached by ClinVar (database versions not stated): gnomAD exomes 0.00001; ExAC 0.00002.
gnomAD v4.1: 7 of 1,611,112 alleles (0.00043%); highest among the groups gnomAD compares: South Asian, 0.0044%; no homozygotes.

Submissions (2):

Clinical Genetics, Synlab MVZ Humangenetik Freiburg
Classification: Likely pathogenic for Dihydropteridine reductase deficiency. Last evaluated: 2022-09-27. Review status: no assertion criteria provided. Collection method: clinical testing. Allele origin: germline. Inheritance: Autosomal recessive inheritance. Affected: yes.
Comment: The variant is present in the gnomAD database at extreme low frequency (3xhet., gnomAd v.3.1.2) and affects a highly conserved residue.

Medical Genetics Research Center, Mashhad University of Medical Sciences
Classification: Likely pathogenic for Dihydropteridine reductase deficiency. Last evaluated: 2021-11-11. Review status: no assertion criteria provided. Collection method: clinical testing. Allele origin: germline. Inheritance: Autosomal recessive inheritance. Affected: yes. Observed: 1 homozygote.

NM_000320.3(QDPR):c.79G>T (p.Val27Leu)

Genes: QDPR (quinoid dihydropteridine reductase; minus strand), LOC129992304 (ATAC-STARR-seq lymphoblastoid silent region 15310; plus strand). Cytogenetic location: 4p15.32.
Variant type: single nucleotide variant.
Coding change: c.79G>T on transcript NM_000320.3 (MANE Select); coding-DNA position 79, G replaced by T.
Protein change: p.Val27Leu; replaces valine 27 with leucine.
Molecular consequence: missense variant. On other transcripts: non-coding transcript variant (1).
Genome position (GRCh38, 1-based): chr4:17,511,976, C>A on the plus strand (G>T on the coding strand, the complement: QDPR is on the minus strand). VCF-style: chr4-17511976-C-A. GRCh37 (hg19) VCF-style: chr4-17513599-C-A.
Other names: c.79G>T, p.Val27Leu (NM_001306140.2); short protein forms V27L.
Identifiers: ClinVar variation 1678544 (VCV001678544.4), dbSNP rs762772317, ClinGen allele CA2868247.